The following is an entry in ClinVar:

NM_001903.5(CTNNA1):c.1136G>T (p.Arg379Leu)

Gene: CTNNA1 (catenin alpha 1; plus strand). Cytogenetic location: 5q31.2.
Variant type: single nucleotide variant.
Coding change: c.1136G>T on transcript NM_001903.5 (MANE Select); coding-DNA position 1136, G replaced by T.
Protein change: p.Arg379Leu; replaces arginine 379 with leucine.
Molecular consequence: missense variant. On other transcripts: 5 prime UTR variant (5), intron variant (2).
Genome position (GRCh38, 1-based): chr5:138,886,285, G>T. VCF-style: chr5-138886285-G-T. GRCh37 (hg19) VCF-style: chr5-138221974-G-T.
Other names: c.1136G>T, p.Arg379Leu (NM_001290307.3, NM_001323982.2, NM_001323983.1 and 3 more transcripts); c.827G>T, p.Arg276Leu (NM_001290309.3); c.767G>T, p.Arg256Leu (NM_001290310.3); c.26G>T, p.Arg9Leu (NM_001290312.1, NM_001323995.1, NM_001323996.1 and 18 more transcripts); c.-372G>T (NM_001324006.1, NM_001324007.1, NM_001324008.1 and 1 more transcripts); c.-247G>T (NM_001324013.1); c.-58+10688G>T (NM_001324012.1); c.-61+10688G>T (NM_001324010.1); short protein forms R276L, R379L, R9L, R256L.
Identifiers: ClinVar variation 3653066 (VCV003653066.2).

ClinVar aggregate classification (germline): Uncertain significance (1 of 4 stars; one submission).

Submission:

Labcorp Genetics (formerly Invitae), Labcorp
Classification: Uncertain significance. Last evaluated: 2024-05-13. Review status: criteria provided, single submitter. Criteria: Invitae Variant Classification Sherloc (09022015). Collection method: clinical testing. Allele origin: germline.
Comment: This sequence change replaces arginine, which is basic and polar, with leucine, which is neutral and non-polar, at codon 379 of the CTNNA1 protein (p.Arg379Leu). This variant is not present in population databases (gnomAD no frequency). This variant has not been reported in the literature in individuals affected with CTNNA1-related conditions. Advanced modeling of protein sequence and biophysical properties (such as structural, functional, and spatial information, amino acid conservation, physicochemical variation, residue mobility, and thermodynamic stability) performed at Invitae indicates that this missense variant is expected to disrupt CTNNA1 protein function with a positive predictive value of 80%. In summary, the available evidence is currently insufficient to determine the role of this variant in disease. Therefore, it has been classified as a Variant of Uncertain Significance.